The following continues an entry in ClinVar:

NM_007294.4(BRCA1):c.1360_1361del (p.Glu453_Ser454insTer)

Gene: BRCA1. ClinVar aggregate classification (germline): Pathogenic. Pathogenic (1).

Submissions 14 to 26 of 26:

GeneDx
Classification: Pathogenic. Last evaluated: 2020-11-10. Review status: criteria provided, single submitter. Criteria: GeneDx Variant Classification Process June 2021. Collection method: clinical testing. Allele origin: germline. Affected: yes. Not counted in ClinVar's aggregate classification.
Comment: Nonsense variant predicted to result in protein truncation or nonsense mediated decay in a gene for which loss-of-function is a known mechanism of disease; Reported in association with breast and ovarian cancer (Ottini 2000, Zhang 2011); Not observed at a significant frequency in large population cohorts (Lek 2016); Truncating variants in this gene are considered pathogenic by a well-established clinical consortium and/or database; Also know as c.1479_1480delAG; 1479delAG; This variant is associated with the following publications: (PMID: 31447099, 10528853, 21324516, 11179017, 28087643, 11056688, 22874498, 26681312, 17148771, 27062684, 29339979, 30720243)

Human Genome Sequencing Center Clinical Lab, Baylor College of Medicine
Classification: Pathogenic for Familial breast-ovarian cancer 1. Last evaluated: 2018-10-12. Review status: criteria provided, single submitter. Criteria: ACMG Guidelines, 2015. Collection method: clinical testing. Allele origin: germline. Not counted in ClinVar's aggregate classification.
Comment: The c.1360_1361delAG (p.Ser454*) variant in the BRCA1 gene is predicted to introduce a premature translation termination codon. This variant has been reported in multiple patients with hereditary breast and ovarian cancer (PMID 10528853, 11056688, 17148771), and has been reported 19 times in Breast Cancer Information Core. This variant is observed at a low minor allele frequency (2/245828) in gnomAD. Therefore, the c.1360_1361delAG (p.Ser454*) variant in the BRCA1 gene is classified as pathogenic.

Mendelics
Classification: Pathogenic for Hereditary breast and ovarian cancer syndrome. Last evaluated: 2018-07-02. Review status: criteria provided, single submitter. Criteria: Mendelics Assertion Criteria 2017. Collection method: clinical testing. Allele origin: unknown. Not counted in ClinVar's aggregate classification.

Women's Health and Genetics/Laboratory Corporation of America, LabCorp
Classification: Pathogenic for Hereditary breast ovarian cancer syndrome. Last evaluated: 2016-12-09. Review status: criteria provided, single submitter. Criteria: LabCorp Variant Classification Summary - May 2015. Collection method: clinical testing. Allele origin: germline. Not counted in ClinVar's aggregate classification.
Comment: Variant summary: The BRCA1 c.1360_1361delAG (p.Ser454Terfs) variant results in a premature termination codon, predicted to cause a truncated or absent BRCA1 protein due to nonsense mediated decay, which are commonly known mechanisms for disease. The variant of interest was observed in the large, broad control population, ExAC, with an allele frequency of 2/121340 (1/60670), which does not exceed the estimated maximal expected allele frequency for a pathogenic BRCA1 variant of 1/1000. The variant of interest was reported in multiple affected individuals via publications. In addition, multiple clinical diagnostic laboratories/databases cite the variant as "pathogenic." Therefore, the variant of interest has been classified as "Pathogenic."

Consortium of Investigators of Modifiers of BRCA1/2 (CIMBA), c/o University of Cambridge
Classification: Pathogenic for Breast-ovarian cancer, familial, susceptibility to, 1. Last evaluated: 2015-10-02. Review status: criteria provided, single submitter. Criteria: CIMBA Mutation Classification guidelines May 2016. Collection method: clinical testing. Allele origin: germline. Not counted in ClinVar's aggregate classification.

Department of Medical Genetics, Oslo University Hospital
Classification: Pathogenic for Breast-ovarian cancer, familial, susceptibility to, 1. Last evaluated: 2015-01-01. Review status: criteria provided, single submitter. Criteria: ACMG Guidelines, 2015. Collection method: clinical testing. Allele origin: germline. Affected: yes. Observed: 2 variant alleles. Not counted in ClinVar's aggregate classification.

Clinical Genetics and Genomics, Karolinska University Hospital
Classification: Pathogenic. Last evaluated: 2014-06-03. Review status: criteria provided, single submitter. Criteria: ACMG Guidelines, 2015. Collection method: clinical testing. Allele origin: germline. Affected: yes. Observed: 11 variant alleles. Not counted in ClinVar's aggregate classification.

BRCAlab, Lund University
Classification: Pathogenic for Breast-ovarian cancer, familial, susceptibility to, 1. Last evaluated: 2022-08-26. Review status: no assertion criteria provided. Collection method: clinical testing. Allele origin: germline. Affected: yes. Not counted in ClinVar's aggregate classification.

Molecular Oncology, Hospital Universitario Central de Asturias (HUCA)
Classification: Pathogenic for Breast-ovarian cancer, familial, susceptibility to, 1. Last evaluated: 2021-05-24. Review status: no assertion criteria provided. Collection method: case-control. Allele origin: germline. Affected: yes. Not counted in ClinVar's aggregate classification.

Research Molecular Genetics Laboratory, Women's College Hospital, University of Toronto
Classification: Pathogenic for Hereditary breast ovarian cancer syndrome. Last evaluated: 2014-01-31. Review status: no assertion criteria provided. Collection method: research. Allele origin: germline. Affected: yes. Study: The Canadian Open Genetics Repository (COGR). Not counted in ClinVar's aggregate classification.

Sharing Clinical Reports Project (SCRP)
Classification: Pathogenic for Breast-ovarian cancer, familial 1. Last evaluated: 2012-05-01. Review status: no assertion criteria provided. Collection method: clinical testing. Allele origin: germline. Not counted in ClinVar's aggregate classification.

Breast Cancer Information Core (BIC) (BRCA1)
Classification: Pathogenic for Breast-ovarian cancer, familial 1. Last evaluated: 2002-05-29. Review status: no assertion criteria provided. Collection method: clinical testing. Allele origin: germline. Affected: yes. Observed: 19 variant alleles. Not counted in ClinVar's aggregate classification.

Department of Pathology and Laboratory Medicine, Sinai Health System
Classification: Pathogenic for Breast-ovarian cancer, familial, susceptibility to, 1. Review status: no assertion criteria provided. Collection method: clinical testing. Allele origin: unknown. Affected: yes. Study: The Canadian Open Genetics Repository (COGR). Not counted in ClinVar's aggregate classification.
Comment: The BRCA1 p.Ser454X variant was identified in at least 5 of 112950 proband chromosomes (frequency: 0.00004) from individuals or families with hereditary breast or ovarian cancer (Judkins 2005, Ottini 2000, Risch 2001, van Orsouw 1999). The variant was identified in dbSNP (ID: rs80357969) â€šÃ„ÃºWith Pathogenic alleleâ€šÃ„Ã¹, and the BIC database (19X as Pathogenic). The p.Ser454X variant leads to a premature stop codon at position 454, which is predicted to lead to a truncated or absent protein and loss of function. Loss of function variants of the BRCA1 gene are an established mechanism of disease in hereditary breast and ovarian cancer and is the type of variant expected to cause the disorder. In summary, based on the above information, this variant meets our laboratoryâ€šÃ„Ã´s criteria to be classified as pathogenic.

Literature cited by the submitters: PubMed 20104584 (cited by Labcorp Genetics (formerly Invitae), Labcorp); PubMed 10528853 (cited by 4 submitters); PubMed 22874498 (cited by 4 submitters); PubMed 26219728 (cited by 3 submitters); PubMed 26681312 (cited by Labcorp Genetics (formerly Invitae), Labcorp and Color Diagnostics, LLC DBA Color Health); PubMed 27208206 (cited by Ambry Genetics and Color Diagnostics, LLC DBA Color Health); PubMed 11056688 (cited by 3 submitters); PubMed 11938448 (cited by Color Diagnostics, LLC DBA Color Health and Women's Health and Genetics/Laboratory Corporation of America, LabCorp); PubMed 17148771 (cited by Color Diagnostics, LLC DBA Color Health and Women's Health and Genetics/Laboratory Corporation of America, LabCorp); PubMed 21324516 (cited by Color Diagnostics, LLC DBA Color Health and Women's Health and Genetics/Laboratory Corporation of America, LabCorp); PubMed 29446198 (cited by Color Diagnostics, LLC DBA Color Health); PubMed 32245699 (cited by Color Diagnostics, LLC DBA Color Health); PubMed 32438681 (cited by Color Diagnostics, LLC DBA Color Health); PubMed 33403015 (cited by Color Diagnostics, LLC DBA Color Health); PubMed 33471991 (cited by Color Diagnostics, LLC DBA Color Health); PubMed 31209999 (cited by Quest Diagnostics Nichols Institute San Juan Capistrano); PubMed 16267036 (cited by Women's Health and Genetics/Laboratory Corporation of America, LabCorp); PubMed 38922859 (cited by Molecular Oncology, Hospital Universitario Central de Asturias (HUCA)).